The following is an entry in ClinVar:

ClinVar aggregate classification (germline): Conflicting classifications of pathogenicity. Review status: criteria provided, conflicting classifications (1 of 4 stars). 3 submissions from 3 submitters: Uncertain significance (2); Likely benign (1). Last evaluated 2026-05-11.

Conditions:
Inborn genetic diseases. Identifiers: MedGen C0950123, MeSH D030342.
Early-infantile DEE. Also called: Early infantile epileptic encephalopathy with suppression bursts; Ohtahara syndrome; Early infantile epileptic encephalopathy. Identifiers: Orphanet 1934, MedGen C0393706, MONDO:0800491.

Allele frequency attached by ClinVar (database versions not stated): gnomAD 0.00001 and 0.00002; TOPMed 0.00002.
gnomAD v4.1: 3 of 1,613,708 alleles (0.00019%); highest among the groups gnomAD compares: African/African-American, 0.0013%; no homozygotes.

Submissions (3):

Ambry Genetics
Classification: Uncertain significance for Inborn genetic diseases. Last evaluated: 2026-05-11. Review status: criteria provided, single submitter. Criteria: Ambry Variant Classification Scheme 2023. Collection method: clinical testing. Allele origin: germline.

Labcorp Genetics (formerly Invitae), Labcorp
Classification: Likely benign for Early-infantile DEE. Last evaluated: 2026-01-01. Review status: criteria provided, single submitter. Criteria: Invitae Variant Classification Sherloc (09022015). Collection method: clinical testing. Allele origin: germline.

GeneDx
Classification: Uncertain significance. Last evaluated: 2021-12-10. Review status: criteria provided, single submitter. Criteria: GeneDx Variant Classification Process June 2021. Collection method: clinical testing. Allele origin: germline. Affected: yes.
Comment: Not observed at significant frequency in large population cohorts (Lek et al., 2016); The majority of missense variants in this gene are considered pathogenic (Stenson et al., 2014); In silico analysis supports that this missense variant does not alter protein structure/function; Has not been previously published as pathogenic or benign to our knowledge; This substitution is predicted to be within the C-terminal cytoplasmic domain

NM_001165963.4(SCN1A):c.5809C>G (p.Gln1937Glu)

Genes: SCN1A (sodium voltage-gated channel alpha subunit 1; minus strand), LOC102724058 (uncharacterized LOC102724058; plus strand). Cytogenetic location: 2q24.3.
Variant type: single nucleotide variant.
Coding change: c.5809C>G on transcript NM_001165963.4 (MANE Select); coding-DNA position 5809, C replaced by G.
Protein change: p.Gln1937Glu; replaces glutamine 1937 with glutamic acid.
Molecular consequence: missense variant. On other transcripts: non-coding transcript variant (1).
Genome position (GRCh38, 1-based): chr2:165,991,466, G>C on the plus strand (C>G on the coding strand, the complement: SCN1A is on the minus strand). VCF-style: chr2-165991466-G-C. GRCh37 (hg19) VCF-style: chr2-166847976-G-C.
Other names: c.5725C>G, p.Gln1909Glu (NM_001165964.3, NM_001353957.2, NM_001353958.2); c.5809C>G, p.Gln1937Glu (NM_001202435.3, NM_001353948.2); c.5776C>G, p.Gln1926Glu (NM_001353949.2, NM_001353950.2, NM_001353951.2 and 2 more transcripts); c.5773C>G, p.Gln1925Glu (NM_001353954.2, NM_001353955.2); c.5722C>G, p.Gln1908Glu (NM_001353960.2); c.3367C>G, p.Gln1123Glu (NM_001353961.2); short protein forms Q1926E, Q1937E, Q1925E, Q1123E, Q1908E, Q1909E.
Identifiers: ClinVar variation 450573 (VCV000450573.17), dbSNP rs1358776988, ClinGen allele CA349063734.